The following is an entry in ClinVar:

NM_000435.3(NOTCH3):c.719G>C (p.Cys240Ser)

Gene: NOTCH3 (notch receptor 3; minus strand). Cytogenetic location: 19p13.12.
Variant type: single nucleotide variant.
Coding change: c.719G>C on transcript NM_000435.3 (MANE Select); coding-DNA position 719, G replaced by C.
Protein change: p.Cys240Ser; replaces cysteine 240 with serine.
Molecular consequence: missense variant.
Genome position (GRCh38, 1-based): chr19:15,191,828, C>G on the plus strand (G>C on the coding strand, the complement: NOTCH3 is on the minus strand). VCF-style: chr19-15191828-C-G. GRCh37 (hg19) VCF-style: chr19-15302639-C-G.
Other names: short protein forms C240S.
Identifiers: ClinVar variation 3571601 (VCV003571601.1).

ClinVar aggregate classification (germline): Pathogenic (1 of 4 stars; one submission).

Submission:

Athena Diagnostics
Classification: Pathogenic. Last evaluated: 2024-01-05. Review status: criteria provided, single submitter. Criteria: Athena Diagnostics Criteria. Collection method: clinical testing. Allele origin: unknown.
Comment: This variant has been identified in at least one individual with CADASIL. This variant has not been reported in large, multi-ethnic general populations. This variant alters a critical location within the protein, and is expected to severely affect function and cause disease. Greater than 90% of NOTCH3 pathogenic variants associated with CADASIL involve the gain or loss of a cysteine residue within the epidermal growth factor (EGF)-like repeat domain (PMID: 32457593, 20301673).

Literature cited by the submitters: PubMed 37873835; PubMed 28710804; PubMed 19174371; PubMed 25980907; PubMed 16009764; PubMed 15364702.